The following is an entry in ClinVar:

ClinVar aggregate classification (germline): Uncertain significance (1 of 4 stars; one submission).

Submission:

Labcorp Genetics (formerly Invitae), Labcorp
Classification: Uncertain significance. Last evaluated: 2021-08-28. Review status: criteria provided, single submitter. Criteria: Invitae Variant Classification Sherloc (09022015). Collection method: clinical testing. Allele origin: germline.
Comment: This variant is not present in population databases (ExAC no frequency). This sequence change creates a premature translational stop signal (p.Ser844Valfs*151) in the A2ML1 gene. It is expected to result in an absent or disrupted protein product. However, the current clinical and genetic evidence is not sufficient to establish whether loss-of-function variants in A2ML1 cause disease. This variant has not been reported in the literature in individuals affected with A2ML1-related conditions. In summary, the available evidence is currently insufficient to determine the role of this variant in disease. Therefore, it has been classified as a Variant of Uncertain Significance.

NM_144670.6(A2ML1):c.2530del (p.Ser844fs)

Gene: A2ML1 (alpha-2-macroglobulin like 1; plus strand). Cytogenetic location: 12p13.31.
Variant type: Deletion.
Coding change: c.2530del on transcript NM_144670.6 (MANE Select); coding-DNA position 2530, one base deleted (A; older notation c.2530delA).
Protein change: p.Ser844fs; shifts the reading frame from serine 844.
Molecular consequence: frameshift variant.
Genome position (GRCh38, 1-based): chr12:8,852,276, A deleted. VCF-style (leftmost placement, unchanged base first): chr12-8852275-CA-C. GRCh37 (hg19) VCF-style: chr12-9004871-CA-C.
Other names: c.1057del, p.Ser353fs (NM_001282424.3); short protein forms S353fs, S844fs.
Identifiers: ClinVar variation 1524761 (VCV001524761.6), dbSNP rs2136881657, ClinGen allele CA2573148434.
Genomic context (GRCh38, chr12:8,852,275, plus strand): 5'-GACTGACCTGGCTAAATCGCATGAGTACCAGCTAGAATCATGGGCAGATTCTCAGACCTC[CA>C]GTTGTCTCTGTGCTGATGACGCAAAAACCCACCACTGGAACATCACAGCTGTCAAATTGG-3'